The following is an entry in ClinVar:

NM_014956.5(CEP164):c.884G>T (p.Ser295Ile)

Gene: CEP164 (centrosomal protein 164; plus strand). Cytogenetic location: 11q23.3.
Variant type: single nucleotide variant.
Coding change: c.884G>T on transcript NM_014956.5 (MANE Select); coding-DNA position 884, G replaced by T.
Protein change: p.Ser295Ile; replaces serine 295 with isoleucine.
Molecular consequence: missense variant.
Genome position (GRCh38, 1-based): chr11:117,371,198, G>T. VCF-style: chr11-117371198-G-T. GRCh37 (hg19) VCF-style: chr11-117241914-G-T.
Other names: c.884G>T, p.Ser295Ile (NM_001271933.2); short protein forms S295I.
Identifiers: ClinVar variation 1519822 (VCV001519822.8), dbSNP rs2135914534, ClinGen allele CA382736837.
Genomic context (GRCh38, chr11:117,371,198, plus strand): 5'-CTGCCGGTCCCCCTACTCCCTGCAAGCCCTCCAGCCCAGGTGCAGACAGCAGTCTGAGCA[G>T]TGCTGTTGGCAAAGGGCGACAGGGAAGTGGAGCAAGACCTGGTCTTCCAGAAAAAGAGGA-3'
Protein context (NP_055771.4, residues 285-305): SSPGADSSLS[Ser295Ile]AVGKGRQGSG

ClinVar aggregate classification (germline): Uncertain significance (1 of 4 stars; one submission).

Conditions:
Nephronophthisis 15 (NPHP15). Identifiers: Orphanet 3156, MedGen C3541853, MONDO:0013917, OMIM 614845.

Allele frequency attached by ClinVar (database versions not stated): gnomAD exomes below 0.00001.

Submission:

Labcorp Genetics (formerly Invitae), Labcorp
Classification: Uncertain significance for Nephronophthisis 15. Last evaluated: 2021-03-25. Review status: criteria provided, single submitter. Criteria: Invitae Variant Classification Sherloc (09022015). Collection method: clinical testing. Allele origin: germline.
Comment: This sequence change replaces serine with isoleucine at codon 295 of the CEP164 protein (p.Ser295Ile). The serine residue is highly conserved and there is a large physicochemical difference between serine and isoleucine. This variant is not present in population databases (ExAC no frequency). This variant has not been reported in the literature in individuals with CEP164-related conditions. Algorithms developed to predict the effect of missense changes on protein structure and function are either unavailable or do not agree on the potential impact of this missense change (SIFT: "Deleterious"; PolyPhen-2: "Possibly Damaging"; Align-GVGD: "Class C0"). In summary, the available evidence is currently insufficient to determine the role of this variant in disease. Therefore, it has been classified as a Variant of Uncertain Significance.